The following is an entry in ClinVar:

NM_015057.5(MYCBP2):c.10191A>G (p.Thr3397=)

Gene: MYCBP2 (MYC binding protein 2; minus strand). Cytogenetic location: 13q22.3.
Variant type: single nucleotide variant.
Coding change: c.10191A>G on transcript NM_015057.5 (MANE Select); coding-DNA position 10191, A replaced by G.
Protein change: p.Thr3397=; no amino-acid change (threonine 3397 retained).
Molecular consequence: synonymous variant.
Genome position (GRCh38, 1-based): chr13:77,095,366, T>C on the plus strand (A>G on the coding strand, the complement: MYCBP2 is on the minus strand). VCF-style: chr13-77095366-T-C. GRCh37 (hg19) VCF-style: chr13-77669501-T-C.
Identifiers: ClinVar variation 739573 (VCV000739573.5), dbSNP rs146482643, ClinGen allele CA7008387.

ClinVar aggregate classification (germline): Benign/Likely benign. Review status: criteria provided, multiple submitters, no conflicts (2 of 4 stars). 3 submissions from 3 submitters: Benign (2); Likely benign (1). Last evaluated 2025-12-16.

Conditions:
MYCBP2-related disorder. Also called: MYCBP2-related condition.

Allele frequency attached by ClinVar (database versions not stated): ExAC 0.00014; 1000 Genomes Project 0.00040; 1000 Genomes Project 30x 0.00047; gnomAD 0.00050 and 0.00053; TOPMed 0.00052; ESP Exome Variant Server 0.00062.
gnomAD v4.1: 142 of 1,613,270 alleles (0.0088%); highest among the groups gnomAD compares: African/African-American, 0.16%; no homozygotes.

Submissions (3):

PreventionGenetics, part of Exact Sciences
Classification: Likely benign for MYCBP2-related condition. Last evaluated: 2025-12-16. Review status: criteria provided, single submitter. Criteria: ACMG Guidelines, 2015. Collection method: clinical testing. Allele origin: germline.
Comment: This variant is classified as likely benign based on ACMG/AMP sequence variant interpretation guidelines (Richards et al. 2015 PMID: 25741868, with internal and published modifications).

Labcorp Genetics (formerly Invitae), Labcorp
Classification: Benign. Last evaluated: 2018-06-27. Review status: criteria provided, single submitter. Criteria: Invitae Variant Classification Sherloc (09022015). Collection method: clinical testing. Allele origin: germline.

Breakthrough Genomics
Classification: Benign. Review status: criteria provided, single submitter. Criteria: ACMG Guidelines, 2015. Collection method: not provided. Allele origin: germline. Inheritance: Unknown mechanism. Affected: yes.